The following is an entry in ClinVar:

ClinVar aggregate classification (germline): Uncertain significance (1 of 4 stars; one submission).

Conditions:
3-methylcrotonyl-CoA carboxylase 2 deficiency. Also called: 3 alpha methylcrotonyl-CoA carboxylase 2 deficiency; 3 alpha methylcrotonylglycinuria 2; MCC 2 deficiency; Methylcrotonylglycinuria type 2; METHYLCROTONYLGLYCINURIA, TYPE II. Identifiers: Orphanet 6, MedGen C1859499, MONDO:0008862, OMIM 210210.

Allele frequency attached by ClinVar (database versions not stated): gnomAD exomes below 0.00001.
gnomAD v4.1: 2 of 1,613,780 alleles (0.00012%); highest among the groups gnomAD compares: Non-Finnish European, 0.00017%; no homozygotes.

Submission:

Labcorp Genetics (formerly Invitae), Labcorp
Classification: Uncertain significance for 3-methylcrotonyl-CoA carboxylase 2 deficiency. Last evaluated: 2022-07-21. Review status: criteria provided, single submitter. Criteria: Invitae Variant Classification Sherloc (09022015). Collection method: clinical testing. Allele origin: germline.
Comment: In summary, the available evidence is currently insufficient to determine the role of this variant in disease. Therefore, it has been classified as a Variant of Uncertain Significance. Advanced modeling of protein sequence and biophysical properties (such as structural, functional, and spatial information, amino acid conservation, physicochemical variation, residue mobility, and thermodynamic stability) performed at Invitae indicates that this missense variant is expected to disrupt MCCC2 protein function. This variant has not been reported in the literature in individuals affected with MCCC2-related conditions. This variant is not present in population databases (gnomAD no frequency). This sequence change replaces leucine, which is neutral and non-polar, with valine, which is neutral and non-polar, at codon 398 of the MCCC2 protein (p.Leu398Val).

NM_022132.5(MCCC2):c.1192C>G (p.Leu398Val)

Gene: MCCC2 (methylcrotonyl-CoA carboxylase subunit 2; plus strand). Cytogenetic location: 5q13.2.
Variant type: single nucleotide variant.
Coding change: c.1192C>G on transcript NM_022132.5 (MANE Select); coding-DNA position 1192, C replaced by G.
Protein change: p.Leu398Val; replaces leucine 398 with valine.
Molecular consequence: missense variant.
Genome position (GRCh38, 1-based): chr5:71,646,253, C>G. VCF-style: chr5-71646253-C-G. GRCh37 (hg19) VCF-style: chr5-70942080-C-G.
Other names: c.1078C>G, p.Leu360Val (NM_001363147.1); short protein forms L360V, L398V.
Identifiers: ClinVar variation 2126793 (VCV002126793.4), dbSNP rs1339423536, ClinGen allele CA359994527.
Genomic context (GRCh38, chr5:71,646,253, plus strand): 5'-TATGTTATTTGCTTATAGGGTACTCACTTTGTCCAGTTATGCTGCCAAAGAAATATTCCT[C>G]TGCTGTTCCTTCAAAACATTACTGGTAAGAAAATAGCTTAATCAGTTTGGTTGTATTGAT-3'
Protein context (NP_071415.1, residues 388-408): VQLCCQRNIP[Leu398Val]LFLQNITGFM